The following is an entry in ClinVar:

ClinVar aggregate classification (germline): Uncertain significance. Review status: criteria provided, multiple submitters, no conflicts (2 of 4 stars). 2 submissions from 2 submitters: Uncertain significance (2). Last evaluated 2024-10-03.

Conditions:
Hereditary cancer-predisposing syndrome. Also called: Hereditary Cancer Syndrome; Neoplastic Syndromes, Hereditary; Hereditary neoplastic syndrome; Tumor predisposition. Identifiers: Orphanet 140162, MedGen C0027672, MeSH D009386, MONDO:0015356.
Peutz-Jeghers syndrome (PJS). Also called: Peutz-Jeghers polyposis; Periorificial lentiginosis syndrome; POLYPOSIS, HAMARTOMATOUS INTESTINAL; POLYPS-AND-SPOTS SYNDROME. Identifiers: Orphanet 2869, MedGen C0031269, MeSH D010580, MONDO:0008280, OMIM 175200.

Allele frequency attached by ClinVar (database versions not stated): gnomAD exomes below 0.00001.

Submissions (2):

Labcorp Genetics (formerly Invitae), Labcorp
Classification: Uncertain significance for Peutz-Jeghers syndrome. Last evaluated: 2024-10-03. Review status: criteria provided, single submitter. Criteria: Invitae Variant Classification Sherloc (09022015). Collection method: clinical testing. Allele origin: germline.
Comment: This sequence change replaces tyrosine, which is neutral and polar, with phenylalanine, which is neutral and non-polar, at codon 49 of the STK11 protein (p.Tyr49Phe). This variant is not present in population databases (gnomAD no frequency). This variant has not been reported in the literature in individuals affected with STK11-related conditions. ClinVar contains an entry for this variant (Variation ID: 819310). Invitae Evidence Modeling of protein sequence and biophysical properties (such as structural, functional, and spatial information, amino acid conservation, physicochemical variation, residue mobility, and thermodynamic stability) has been performed for this missense variant. However, the output from this modeling did not meet the statistical confidence thresholds required to predict the impact of this variant on STK11 protein function. In summary, the available evidence is currently insufficient to determine the role of this variant in disease. Therefore, it has been classified as a Variant of Uncertain Significance.

Ambry Genetics
Classification: Uncertain significance for Hereditary cancer-predisposing syndrome. Last evaluated: 2018-02-21. Review status: criteria provided, single submitter. Criteria: Ambry Variant Classification Scheme 2023. Collection method: clinical testing. Allele origin: germline.
Comment: The p.Y49F variant (also known as c.146A>T), located in coding exon 1 of the STK11 gene, results from an A to T substitution at nucleotide position 146. The tyrosine at codon 49 is replaced by phenylalanine, an amino acid with highly similar properties. This amino acid position is highly conserved in available vertebrate species. In addition, the in silico prediction for this alteration is inconclusive. Since supporting evidence is limited at this time, the clinical significance of this alteration remains unclear.

NM_000455.5(STK11):c.146A>T (p.Tyr49Phe)

Gene: STK11 (serine/threonine kinase 11; plus strand). Cytogenetic location: 19p13.3.
Variant type: single nucleotide variant.
Coding change: c.146A>T on transcript NM_000455.5 (MANE Select); coding-DNA position 146, A replaced by T.
Protein change: p.Tyr49Phe; replaces tyrosine 49 with phenylalanine.
Molecular consequence: missense variant.
Genome position (GRCh38, 1-based): chr19:1,207,059, A>T. VCF-style: chr19-1207059-A-T. GRCh37 (hg19) VCF-style: chr19-1207058-A-T.
Other names: short protein forms Y49F.
Identifiers: ClinVar variation 819310 (VCV000819310.6), dbSNP rs1599915047, ClinGen allele CA402944060.
Genomic context (GRCh38, chr19:1,207,059, plus strand): 5'-TCGACTCCACCGAGGTCATCTACCAGCCGCGCCGCAAGCGGGCCAAGCTCATCGGCAAGT[A>T]CCTGATGGGGGACCTGCTGGGGGAAGGCTCTTACGGCAAGGTGAAGGAGGTGCTGGACTC-3'
Protein context (NP_000446.1, residues 39-59): RRKRAKLIGK[Tyr49Phe]LMGDLLGEGS